The following is an entry in ClinVar:

ClinVar aggregate classification (germline): Uncertain significance. Review status: criteria provided, multiple submitters, no conflicts (2 of 4 stars). 2 submissions from 2 submitters: Uncertain significance (2). Last evaluated 2023-04-05.

Conditions:
Pheochromocytoma/paraganglioma syndrome 5. Also called: Paragangliomas 5; SDHA-Related Hereditary Paraganglioma-Pheochromocytoma Syndrome. Identifiers: Orphanet 29072, MedGen C3279992, MONDO:0013602, OMIM 614165.
Mitochondrial complex II deficiency, nuclear type 1. Also called: SUCCINATE CoQ REDUCTASE DEFICIENCY. Identifiers: Orphanet 3208, MedGen C5700310, MONDO:0100294, OMIM 252011.
Hereditary cancer-predisposing syndrome. Also called: Hereditary Cancer Syndrome; Hereditary neoplastic syndrome; Neoplastic Syndromes, Hereditary; Tumor predisposition. Identifiers: Orphanet 140162, MedGen C0027672, MeSH D009386, MONDO:0015356.

Submissions (2):

Ambry Genetics
Classification: Uncertain significance for Hereditary cancer-predisposing syndrome. Last evaluated: 2023-04-05. Review status: criteria provided, single submitter. Criteria: Ambry Variant Classification Scheme 2023. Collection method: clinical testing. Allele origin: germline.
Comment: The c.312+5G>C intronic variant results from a G to C substitution 5 nucleotides after coding exon 3 in the SDHA gene. This nucleotide position is well conserved in available vertebrate species. In silico splice site analysis for this alteration is inconclusive. Since supporting evidence is limited at this time, the clinical significance of this alteration remains unclear.

Labcorp Genetics (formerly Invitae), Labcorp
Classification: Uncertain significance for Pheochromocytoma/paraganglioma syndrome 5; Mitochondrial complex II deficiency, nuclear type 1. Last evaluated: 2022-09-17. Review status: criteria provided, single submitter. Criteria: Invitae Variant Classification Sherloc (09022015). Collection method: clinical testing. Allele origin: germline.
Comment: In summary, the available evidence is currently insufficient to determine the role of this variant in disease. Therefore, it has been classified as a Variant of Uncertain Significance. Variants that disrupt the consensus splice site are a relatively common cause of aberrant splicing (PMID: 17576681, 9536098). Algorithms developed to predict the effect of sequence changes on RNA splicing suggest that this variant is not likely to affect RNA splicing. This variant has not been reported in the literature in individuals affected with SDHA-related conditions. This variant is not present in population databases (gnomAD no frequency). This sequence change falls in intron 3 of the SDHA gene. It does not directly change the encoded amino acid sequence of the SDHA protein. It affects a nucleotide within the consensus splice site.

Literature cited by the submitters: PubMed 17576681 (cited by Labcorp Genetics (formerly Invitae), Labcorp); PubMed 9536098 (cited by Labcorp Genetics (formerly Invitae), Labcorp).

NM_004168.4(SDHA):c.312+5G>C

Gene: SDHA (succinate dehydrogenase complex flavoprotein subunit A; plus strand). Cytogenetic location: 5p15.33.
Variant type: single nucleotide variant.
Coding change: c.312+5G>C on transcript NM_004168.4 (MANE Select); 5 bases into the intron after coding-DNA position 312, G replaced by C.
Molecular consequence: intron variant.
Genome position (GRCh38, 1-based): chr5:224,526, G>C. VCF-style: chr5-224526-G-C. GRCh37 (hg19) VCF-style: chr5-224641-G-C.
Other names: c.312+5G>C (NM_004168.2, NM_001330758.2, NM_001294332.2).
Identifiers: ClinVar variation 2030941 (VCV002030941.6), dbSNP rs1384659459, ClinGen allele CA2580073091.